The following is an entry in ClinVar:

ClinVar aggregate classification (germline): Uncertain significance. Review status: criteria provided, multiple submitters, no conflicts (2 of 4 stars). 2 submissions from 2 submitters: Uncertain significance (2). Last evaluated 2025-07-14.

Conditions:
Cardiovascular phenotype. Identifiers: MedGen CN230736.
Primary dilated cardiomyopathy (DCM). Also called: Dilated Cardiomyopathy. Identifiers: Orphanet 217604, MedGen C0007193, MeSH D002311, MONDO:0005021, HP:0001644. Inheritance: Various modes of inheritance.

Allele frequency attached by ClinVar (database versions not stated): gnomAD 0.00001 and 0.00002; gnomAD exomes 0.00002; TOPMed 0.00001; ExAC 0.00002.
gnomAD v4.1: 23 of 1,613,836 alleles (0.0014%); highest among the groups gnomAD compares: Middle Eastern, 0.033%; no homozygotes.

Submissions (2):

Labcorp Genetics (formerly Invitae), Labcorp
Classification: Uncertain significance for Primary dilated cardiomyopathy. Last evaluated: 2025-07-14. Review status: criteria provided, single submitter. Criteria: Invitae Variant Classification Sherloc (09022015). Collection method: clinical testing. Allele origin: germline.
Comment: This sequence change replaces serine, which is neutral and polar, with cysteine, which is neutral and slightly polar, at codon 444 of the TXNRD2 protein (p.Ser444Cys). This variant is present in population databases (rs749643976, gnomAD 0.02%). This variant has not been reported in the literature in individuals affected with TXNRD2-related conditions. ClinVar contains an entry for this variant (Variation ID: 222886). Invitae Evidence Modeling of protein sequence and biophysical properties (such as structural, functional, and spatial information, amino acid conservation, physicochemical variation, residue mobility, and thermodynamic stability) has been performed for this missense variant. However, the output from this modeling did not meet the statistical confidence thresholds required to predict the impact of this variant on TXNRD2 protein function. In summary, the available evidence is currently insufficient to determine the role of this variant in disease. Therefore, it has been classified as a Variant of Uncertain Significance.

Ambry Genetics
Classification: Uncertain significance for Cardiovascular phenotype. Last evaluated: 2021-10-07. Review status: criteria provided, single submitter. Criteria: Ambry Variant Classification Scheme 2023. Collection method: clinical testing. Allele origin: germline.
Comment: The p.S444C variant (also known as c.1331C>G), located in coding exon 15 of the TXNRD2 gene, results from a C to G substitution at nucleotide position 1331. The serine at codon 444 is replaced by cysteine, an amino acid with dissimilar properties. This amino acid position is conserved. In addition, the in silico prediction for this alteration is inconclusive. Since supporting evidence is limited at this time, the clinical significance of this alteration remains unclear.

NM_006440.5(TXNRD2):c.1331C>G (p.Ser444Cys)

Gene: TXNRD2 (thioredoxin reductase 2; minus strand). Cytogenetic location: 22q11.21.
Variant type: single nucleotide variant.
Coding change: c.1331C>G on transcript NM_006440.5 (MANE Select); coding-DNA position 1331, C replaced by G.
Protein change: p.Ser444Cys; replaces serine 444 with cysteine.
Molecular consequence: missense variant. On other transcripts: non-coding transcript variant (1).
Genome position (GRCh38, 1-based): chr22:19,878,382, G>C on the plus strand (C>G on the coding strand, the complement: TXNRD2 is on the minus strand). VCF-style: chr22-19878382-G-C. GRCh37 (hg19) VCF-style: chr22-19865905-G-C.
Other names: c.1328C>G, p.Ser443Cys (NM_001352300.2); c.1241C>G, p.Ser414Cys (NM_001352301.2); c.1043C>G, p.Ser348Cys (NM_001352302.2); short protein forms S444C, S348C, S414C, S443C.
Identifiers: ClinVar variation 222886 (VCV000222886.11), dbSNP rs749643976, ClinGen allele CA354877.